The following is an entry in ClinVar:

ClinVar aggregate classification (germline): Pathogenic. Review status: criteria provided, multiple submitters, no conflicts (2 of 4 stars). 3 submissions from 3 submitters: Pathogenic (3). Last evaluated 2025-10-02.

Conditions:
Bethlem myopathy 1A. Also called: Bethlem Muscular Dystrophy; MYOPATHY, BENIGN CONGENITAL, WITH CONTRACTURES; Bethlem myopathy 1. Identifiers: Orphanet 610, MedGen CN029274, MONDO:0024530, OMIM 158810.

Submissions (3):

Labcorp Genetics (formerly Invitae), Labcorp
Classification: Pathogenic for Bethlem myopathy 1A. Last evaluated: 2025-10-02. Review status: criteria provided, single submitter. Criteria: Invitae Variant Classification Sherloc (09022015). Collection method: clinical testing. Allele origin: germline.
Comment: This sequence change replaces glycine, which is neutral and non-polar, with cysteine, which is neutral and slightly polar, at codon 341 of the COL6A1 protein (p.Gly341Cys). This variant is not present in population databases (gnomAD no frequency). This missense change has been observed in individuals with clinical features of autosomal dominant collagenopathy (PMID: 29417091; internal data). It has also been observed to segregate with disease in related individuals. ClinVar contains an entry for this variant (Variation ID: 286146). Invitae Evidence Modeling of protein sequence and biophysical properties (such as structural, functional, and spatial information, amino acid conservation, physicochemical variation, residue mobility, and thermodynamic stability) indicates that this missense variant is expected to disrupt COL6A1 protein function with a positive predictive value of 80%. This variant disrupts the triple helix domain of COL6A1. Glycine residues within the Gly-Xaa-Yaa repeats of the triple helix domain are required for the structure and stability of fibrillar collagens (PMID: 7695699, 8218237, 19344236). In COL6A1, variants at these glycine residues are significantly enriched in individuals with autosomal dominant disease (PMID: 15689448, 24038877) compared to the general population (ExAC). This variant disrupts the p.Gly341 amino acid residue in COL6A1. Other variant(s) that disrupt this residue have been determined to be pathogenic (PMID: 15689448, 15955946, 22075033, 25535305). This suggests that this residue is clinically significant, and that variants that disrupt this residue are likely to be disease-causing. For these reasons, this variant has been classified as Pathogenic.

Revvity Omics, Revvity
Classification: Pathogenic. Last evaluated: 2023-03-22. Review status: criteria provided, single submitter. Criteria: ACMG Guidelines, 2015. Collection method: clinical testing. Allele origin: germline.

Eurofins Ntd Llc (ga)
Classification: Pathogenic. Last evaluated: 2016-02-09. Review status: criteria provided, single submitter. Criteria: EGL Classification Definitions 2015. Collection method: clinical testing. Allele origin: germline. Observed: 4 variant alleles, 4 heterozygotes.

Literature cited by the submitters: PubMed 29417091 (cited by Labcorp Genetics (formerly Invitae), Labcorp); PubMed 7695699 (cited by Labcorp Genetics (formerly Invitae), Labcorp); PubMed 8218237 (cited by Labcorp Genetics (formerly Invitae), Labcorp); PubMed 19344236 (cited by Labcorp Genetics (formerly Invitae), Labcorp); PubMed 15689448 (cited by Labcorp Genetics (formerly Invitae), Labcorp); PubMed 24038877 (cited by Labcorp Genetics (formerly Invitae), Labcorp); PubMed 15955946 (cited by Labcorp Genetics (formerly Invitae), Labcorp); PubMed 22075033 (cited by Labcorp Genetics (formerly Invitae), Labcorp); PubMed 25535305 (cited by Labcorp Genetics (formerly Invitae), Labcorp).

NM_001848.3(COL6A1):c.1021G>T (p.Gly341Cys)

Gene: COL6A1 (collagen type VI alpha 1 chain; plus strand). Cytogenetic location: 21q22.3.
Variant type: single nucleotide variant.
Coding change: c.1021G>T on transcript NM_001848.3 (MANE Select); coding-DNA position 1021, G replaced by T.
Protein change: p.Gly341Cys; replaces glycine 341 with cysteine.
Molecular consequence: missense variant.
Genome position (GRCh38, 1-based): chr21:45,990,791, G>T. VCF-style: chr21-45990791-G-T. GRCh37 (hg19) VCF-style: chr21-47410705-G-T.
Other names: short protein forms G341C.
Identifiers: ClinVar variation 286146 (VCV000286146.15), dbSNP rs886043321, ClinGen allele CA10605376.